The following is an entry in ClinVar:

ClinVar aggregate classification (germline): Uncertain significance. Review status: criteria provided, multiple submitters, no conflicts (2 of 4 stars). 2 submissions from 2 submitters: Uncertain significance (2). Last evaluated 2022-09-02.

Conditions:
KCNH1 associated disorder. Identifiers: MedGen CN311519, MONDO:0100485.

gnomAD v4.1: 2 of 1,614,164 alleles (0.00012%); highest among the groups gnomAD compares: Non-Finnish European, 0.00017%; no homozygotes.

Submissions (2):

Victorian Clinical Genetics Services, Murdoch Childrens Research Institute
Classification: Uncertain significance for KCNH1 associated disorder. Last evaluated: 2022-09-02. Review status: criteria provided, single submitter. Criteria: ACMG Guidelines, 2015. Collection method: clinical testing. Allele origin: germline. Inheritance: Autosomal dominant inheritance. Affected: yes.
Comment: A heterozygous missense variant was identified, NM_172362.2(KCNH1):c.2636C>T in exon 11 of 11 of the KCNH1 gene. This substitution is predicted to create a major amino acid change from serine to leucine at position 879 of the protein, NP_758872.1(KCNH1):p.(Ser879Leu). The serine at this position has very high conservation (100 vertebrates, UCSC), but is not situated in a known functional domain. In silico software predictions of the pathogenicity of this variant are conflicting (Polyphen, SIFT, CADD, Mutation Taster). The variant is not present in the gnomAD population database. This variant has not been previously reported in clinical cases. Based on information available at the time of curation, this variant has been classified as a VARIANT of UNCERTAIN SIGNIFICANCE (VUS).

Labcorp Genetics (formerly Invitae), Labcorp
Classification: Uncertain significance. Last evaluated: 2022-08-23. Review status: criteria provided, single submitter. Criteria: Invitae Variant Classification Sherloc (09022015). Collection method: clinical testing. Allele origin: germline.
Comment: In summary, the available evidence is currently insufficient to determine the role of this variant in disease. Therefore, it has been classified as a Variant of Uncertain Significance. Algorithms developed to predict the effect of missense changes on protein structure and function are either unavailable or do not agree on the potential impact of this missense change (SIFT: "Deleterious"; PolyPhen-2: "Probably Damaging"; Align-GVGD: "Class C0"). ClinVar contains an entry for this variant (Variation ID: 1377792). This variant has not been reported in the literature in individuals affected with KCNH1-related conditions. This variant is not present in population databases (gnomAD no frequency). This sequence change replaces serine, which is neutral and polar, with leucine, which is neutral and non-polar, at codon 879 of the KCNH1 protein (p.Ser879Leu).

NM_172362.3(KCNH1):c.2636C>T (p.Ser879Leu)

Gene: KCNH1 (potassium voltage-gated channel subfamily H member 1; minus strand). Cytogenetic location: 1q32.2.
Variant type: single nucleotide variant.
Coding change: c.2636C>T on transcript NM_172362.3 (MANE Select); coding-DNA position 2636, C replaced by T.
Protein change: p.Ser879Leu; replaces serine 879 with leucine.
Molecular consequence: missense variant.
Genome position (GRCh38, 1-based): chr1:210,683,615, G>A on the plus strand (C>T on the coding strand, the complement: KCNH1 is on the minus strand). VCF-style: chr1-210683615-G-A. GRCh37 (hg19) VCF-style: chr1-210856957-G-A.
Other names: c.2555C>T, p.Ser852Leu (NM_002238.4); short protein forms S879L, S852L.
Identifiers: ClinVar variation 1377792 (VCV001377792.10), dbSNP rs2149000783, ClinGen allele CA344870753.